The following is an entry in ClinVar:

ClinVar aggregate classification (germline): Pathogenic/Likely pathogenic. Review status: criteria provided, multiple submitters, no conflicts (2 of 4 stars). 2 submissions from 2 submitters: Pathogenic (1); Likely pathogenic (1). Last evaluated 2024-01-10.

Conditions:
Neuromuscular disease caused by qualitative or quantitative defects of dysferlin. Also called: Qualitative or quantitative defects of dysferlin; Dysferlinopathy. Identifiers: Orphanet 207073, MedGen C2931687, MONDO:0016145.
Distal myopathy with anterior tibial onset. Identifiers: Orphanet 178400, MedGen C1847532, MONDO:0011721, OMIM 606768.
Miyoshi muscular dystrophy 1 (MMD1). Identifiers: Orphanet 45448, MedGen C4551973, MONDO:0024545, OMIM 254130.
Autosomal recessive limb-girdle muscular dystrophy type 2B (LGMDR2). Also called: MUSCULAR DYSTROPHY, LIMB-GIRDLE, TYPE 3; MUSCULAR DYSTROPHY, LIMB-GIRDLE, AUTOSOMAL RECESSIVE 2; Limb-girdle muscular dystrophy, type 2B; Limb-Girdle Muscular Dystrophy Type 2B (LGMD2B). Identifiers: Orphanet 268, MedGen C1850889, MONDO:0009676, OMIM 253601.

Submissions (2):

Fulgent Genetics
Classification: Likely pathogenic for Autosomal recessive limb-girdle muscular dystrophy type 2B; Miyoshi muscular dystrophy 1; Distal myopathy with anterior tibial onset. Last evaluated: 2024-01-10. Review status: criteria provided, single submitter. Criteria: ACMG Guidelines, 2015. Collection method: clinical testing. Allele origin: germline.

Labcorp Genetics (formerly Invitae), Labcorp
Classification: Pathogenic for Neuromuscular disease caused by qualitative or quantitative defects of dysferlin. Last evaluated: 2023-05-14. Review status: criteria provided, single submitter. Criteria: Invitae Variant Classification Sherloc (09022015). Collection method: clinical testing. Allele origin: germline.
Comment: ClinVar contains an entry for this variant (Variation ID: 952370). This variant has not been reported in the literature in individuals affected with DYSF-related conditions. This variant is not present in population databases (gnomAD no frequency). This sequence change creates a premature translational stop signal (p.Arg1155Alafs*37) in the DYSF gene. It is expected to result in an absent or disrupted protein product. Loss-of-function variants in DYSF are known to be pathogenic (PMID: 17698709, 20301480). For these reasons, this variant has been classified as Pathogenic.

Literature cited by the submitters: PubMed 17698709 (cited by Labcorp Genetics (formerly Invitae), Labcorp); PubMed 20301480 (cited by Labcorp Genetics (formerly Invitae), Labcorp).

NM_001130987.2(DYSF):c.3517del (p.Arg1173fs)

Gene: DYSF (dysferlin; plus strand). Cytogenetic location: 2p13.2.
Variant type: Deletion.
Coding change: c.3517del on transcript NM_001130987.2 (MANE Select); coding-DNA position 3517, one base deleted (C; older notation c.3517delC).
Protein change: p.Arg1173fs; shifts the reading frame from arginine 1173.
Molecular consequence: frameshift variant.
Genome position (GRCh38, 1-based): chr2:71,590,231, C deleted. VCF-style (leftmost placement, unchanged base first): chr2-71590230-AC-A. GRCh37 (hg19) VCF-style: chr2-71817360-AC-A.
Other names: c.3466del, p.Arg1156fs (NM_001130455.2, NM_001130983.2); c.3421del, p.Arg1141fs (NM_001130976.2, NM_001130977.2); c.3463del, p.Arg1155fs (NM_001130978.2, NM_003494.4); c.3556del, p.Arg1186fs (NM_001130979.2); c.3514del, p.Arg1172fs (NM_001130980.2, NM_001130981.2); c.3559del, p.Arg1187fs (NM_001130982.2); c.3424del, p.Arg1142fs (NM_001130984.2, NM_001130986.2); c.3517del, p.Arg1173fs (NM_001130985.2); short protein forms R1155fs, R1156fs, R1142fs, R1173fs, R1186fs, R1141fs, R1172fs, R1187fs.
Identifiers: ClinVar variation 952370 (VCV000952370.8), dbSNP rs2093220811, ClinGen allele CA1139657084.